The following is an entry in ClinVar:

NM_000051.4(ATM):c.6100C>A (p.Arg2034=)

Genes: C11orf65 (chromosome 11 open reading frame 65; minus strand), ATM (ATM serine/threonine kinase; plus strand). Cytogenetic location: 11q22.3.
Variant type: single nucleotide variant.
Coding change: c.6100C>A on transcript NM_000051.4 (MANE Select); coding-DNA position 6100, C replaced by A.
Protein change: p.Arg2034=; no amino-acid change (arginine 2034 retained).
Molecular consequence: synonymous variant. On other transcripts: intron variant (2).
Genome position (GRCh38, 1-based): chr11:108,316,015, C>A. VCF-style: chr11-108316015-C-A. GRCh37 (hg19) VCF-style: chr11-108186742-C-A.
Other names: c.6100C>A, p.Arg2034= (NM_001351834.2); c.641-6944G>T (NM_001330368.2); c.*39-6944G>T (NM_001351110.2).
Identifiers: ClinVar variation 233931 (VCV000233931.24), dbSNP rs532480170, ClinGen allele CA6265866.

ClinVar aggregate classification (germline): Benign/Likely benign. Review status: criteria provided, multiple submitters, no conflicts (2 of 4 stars). 9 submissions from 9 submitters: Benign (1); Likely benign (6). 2 of the submissions do not count toward it. Last evaluated 2026-01-27.

Conditions:
ATM-related disorder. Also called: ATM-related disorders; ATM-related condition.
Hereditary cancer-predisposing syndrome. Also called: Neoplastic Syndromes, Hereditary; Hereditary neoplastic syndrome; Tumor predisposition; Hereditary Cancer Syndrome. Identifiers: Orphanet 140162, MedGen C0027672, MeSH D009386, MONDO:0015356.
Ataxia-telangiectasia syndrome (AT). Also called: Ataxia telangiectasia (A-T); Cerebello-oculocutaneous telangiectasia; Immunodeficiency with ataxia telangiectasia; LOUIS-BAR SYNDROME; AT, COMPLEMENTATION GROUP C; ATAXIA-TELANGIECTASIA, FRESNO VARIANT. Identifiers: Orphanet 100, MedGen C0004135, MONDO:0008840, OMIM 208900.
Familial cancer of breast. Also called: hereditary breast carcinoma; Hereditary breast cancer; BREAST CANCER, FAMILIAL. Identifiers: Orphanet 227535, MedGen C0346153, MONDO:0016419, OMIM 114480. Disease mechanism: loss of function.

Allele frequency attached by ClinVar (database versions not stated): ExAC 0.00002; 1000 Genomes Project 0.00020; TOPMed 0.00002; 1000 Genomes Project 30x 0.00031.
gnomAD v4.1: 63 of 1,613,930 alleles (0.0039%); highest among the groups gnomAD compares: Non-Finnish European, 0.0053%; no homozygotes.

Submissions (9):

Labcorp Genetics (formerly Invitae), Labcorp
Classification: Likely benign for Ataxia-telangiectasia syndrome. Last evaluated: 2026-01-27. Review status: criteria provided, single submitter. Criteria: Invitae Variant Classification Sherloc (09022015). Collection method: clinical testing. Allele origin: germline.

Myriad Genetics, Inc.
Classification: Benign for Familial cancer of breast. Last evaluated: 2024-06-03. Review status: criteria provided, single submitter. Criteria: Myriad Autosomal Dominant, Autosomal Recessive and X-Linked Classification Criteria (2023). Collection method: clinical testing. Allele origin: unknown.
Comment: This variant is considered benign. This variant is a silent/synonymous amino acid change and it is not expected to impact splicing.

Department of Pathology and Laboratory Medicine, Sinai Health System
Classification: Likely benign for Familial cancer of breast. Last evaluated: 2022-10-31. Review status: criteria provided, single submitter. Criteria: ACMG Guidelines, 2015. Collection method: clinical testing. Allele origin: germline. Affected: yes.

Women's Health and Genetics/Laboratory Corporation of America, LabCorp
Classification: Likely benign. Last evaluated: 2019-08-21. Review status: criteria provided, single submitter. Criteria: LabCorp Variant Classification Summary - May 2015. Collection method: clinical testing. Allele origin: germline.

GeneDx
Classification: Likely benign. Last evaluated: 2018-01-04. Review status: criteria provided, single submitter. Criteria: GeneDx Variant Classification (06012015). Collection method: clinical testing. Allele origin: germline. Affected: yes.
Comment: This variant is considered likely benign or benign based on one or more of the following criteria: it is a conservative change, it occurs at a poorly conserved position in the protein, it is predicted to be benign by multiple in silico algorithms, and/or has population frequency not consistent with disease.

Color Diagnostics, LLC DBA Color Health
Classification: Likely benign for Hereditary cancer-predisposing syndrome. Last evaluated: 2017-07-20. Review status: criteria provided, single submitter. Criteria: ACMG Guidelines, 2015. Collection method: clinical testing. Allele origin: germline.

Ambry Genetics
Classification: Likely benign for Hereditary cancer-predisposing syndrome. Last evaluated: 2015-09-15. Review status: criteria provided, single submitter. Criteria: Ambry Variant Classification Scheme 2023. Collection method: clinical testing. Allele origin: germline.

PreventionGenetics, part of Exact Sciences
Classification: Likely benign for ATM-related condition. Last evaluated: 2023-08-07. Review status: no assertion criteria provided. Collection method: clinical testing. Allele origin: germline. Not counted in ClinVar's aggregate classification.
Comment: This variant is classified as likely benign based on ACMG/AMP sequence variant interpretation guidelines (Richards et al. 2015 PMID: 25741868, with internal and published modifications).

Natera, Inc.
Classification: Likely benign for Ataxia-telangiectasia. Last evaluated: 2020-09-16. Review status: no assertion criteria provided. Collection method: clinical testing. Allele origin: germline. Not counted in ClinVar's aggregate classification.